The following is an entry in ClinVar:

NM_003900.5(SQSTM1):c.513C>G (p.Pro171=)

Gene: SQSTM1 (sequestosome 1; plus strand). Cytogenetic location: 5q35.3.
Variant type: single nucleotide variant.
Coding change: c.513C>G on transcript NM_003900.5 (MANE Select); coding-DNA position 513, C replaced by G.
Protein change: p.Pro171=; no amino-acid change (proline 171 retained).
Molecular consequence: synonymous variant.
Genome position (GRCh38, 1-based): chr5:179,824,069, C>G. VCF-style: chr5-179824069-C-G. GRCh37 (hg19) VCF-style: chr5-179251069-C-G.
Other names: p.Pro171=; c.261C>G, p.Pro87= (NM_001142298.2, NM_001142299.2).
Identifiers: ClinVar variation 706234 (VCV000706234.41), dbSNP rs199931327, ClinGen allele CA3600532.

ClinVar aggregate classification (germline): Conflicting classifications of pathogenicity. Review status: criteria provided, conflicting classifications (1 of 4 stars). 6 submissions from 6 submitters: Uncertain significance (1); Benign (1); Likely benign (3). 1 of the submissions does not count toward it. Last evaluated 2025-12-10.

Conditions:
SQSTM1-related disorder. Also called: SQSTM1-Related Disorders.
Paget disease of bone 3. Identifiers: MedGen C4085252, MONDO:0008176, OMIM 167250.
Paget disease of bone 2, early-onset (PDB2). Also called: Paget disease of bone 2. Identifiers: MedGen C4085251, MONDO:0011183, OMIM 602080.
Frontotemporal dementia and/or amyotrophic lateral sclerosis 1 (FTDALS1). Also called: C9orf72 Frontotemporal Dementia and/or Amyotrophic Lateral Sclerosis; Frontotemporal dementia with motor neuron disease 1. Identifiers: Orphanet 275872, MedGen C5779877, MONDO:0007105, OMIM 105550.

Allele frequency attached by ClinVar (database versions not stated): TOPMed 0.00014; ESP Exome Variant Server 0.00015; ExAC 0.00016; gnomAD 0.00018 and 0.00019; gnomAD exomes 0.00025.
gnomAD v4.1: 228 of 1,613,806 alleles (0.014%); highest among the groups gnomAD compares: Admixed American, 0.018%; no homozygotes.

Submissions (6):

Labcorp Genetics (formerly Invitae), Labcorp
Classification: Benign for Paget disease of bone 2, early-onset; Frontotemporal dementia and/or amyotrophic lateral sclerosis 1. Last evaluated: 2025-12-10. Review status: criteria provided, single submitter. Criteria: Invitae Variant Classification Sherloc (09022015). Collection method: clinical testing. Allele origin: germline.

Mayo Clinic Laboratories, Mayo Clinic
Classification: Likely benign. Last evaluated: 2025-06-17. Review status: criteria provided, single submitter. Criteria: ACMG Guidelines, 2015. Collection method: clinical testing. Allele origin: germline. Observed: 4 variant alleles.
Comment: BS1, BP4, BP7

Blueprint Genetics
Classification: Likely benign. Last evaluated: 2023-09-25. Review status: criteria provided, single submitter. Criteria: ACMG Guidelines, 2015. Collection method: clinical testing. Allele origin: germline.

CeGaT Center for Human Genetics Tuebingen
Classification: Likely benign. Last evaluated: 2023-01-01. Review status: criteria provided, single submitter. Criteria: CeGaT Center For Human Genetics Tuebingen Variant Classification Criteria Version 2. Collection method: clinical testing. Allele origin: germline. Affected: yes. Observed: 1 variant allele.
Comment: SQSTM1: BP4

Illumina Laboratory Services, Illumina
Classification: Uncertain significance for Paget disease of bone 3. Last evaluated: 2018-05-17. Review status: criteria provided, single submitter. Criteria: ICSL Variant Classification Criteria 13 December 2019. Collection method: clinical testing. Allele origin: germline.

PreventionGenetics, part of Exact Sciences
Classification: Likely benign for SQSTM1-related condition. Last evaluated: 2023-01-11. Review status: no assertion criteria provided. Collection method: clinical testing. Allele origin: germline. Not counted in ClinVar's aggregate classification.
Comment: This variant is classified as likely benign based on ACMG/AMP sequence variant interpretation guidelines (Richards et al. 2015 PMID: 25741868, with internal and published modifications).